The following is an entry in ClinVar:

NM_006648.4(WNK2):c.4043C>T (p.Pro1348Leu)

Gene: WNK2 (WNK lysine deficient protein kinase 2; plus strand). Cytogenetic location: 9q22.31.
Variant type: single nucleotide variant.
Coding change: c.4043C>T on transcript NM_006648.4 (MANE Select); coding-DNA position 4043, C replaced by T.
Protein change: p.Pro1348Leu; replaces proline 1348 with leucine.
Molecular consequence: missense variant.
Genome position (GRCh38, 1-based): chr9:93,288,797, C>T. VCF-style: chr9-93288797-C-T. GRCh37 (hg19) VCF-style: chr9-96051079-C-T.
Other names: c.4154C>T, p.Pro1385Leu (NM_001282394.3); short protein forms P1385L, P1348L.
Identifiers: ClinVar variation 4844907 (VCV004844907.1).

ClinVar aggregate classification (germline): Uncertain significance (1 of 4 stars; one submission).

Submission:

Ambry Genetics
Classification: Uncertain significance. Last evaluated: 2026-02-16. Review status: criteria provided, single submitter. Criteria: Ambry Variant Classification Scheme 2023. Collection method: clinical testing. Allele origin: germline.
Comment: The p.P1348L variant (also known as c.4043C>T), located in coding exon 19 of the WNK2 gene, results from a C to T substitution at nucleotide position 4043. The proline at codon 1348 is replaced by leucine, an amino acid with similar properties. This amino acid position is conserved. In addition, this alteration is predicted to be tolerated by in silico analysis. Based on the available evidence, the clinical significance of this variant remains unclear.